The following is an entry in ClinVar:

ClinVar aggregate classification (germline): Uncertain significance. Review status: criteria provided, multiple submitters, no conflicts (2 of 4 stars). 4 submissions from 4 submitters: Uncertain significance (2). 2 of the submissions do not count toward it. Last evaluated 2025-11-27.

Conditions:
Inborn genetic diseases. Identifiers: MedGen C0950123, MeSH D030342.

Allele frequency attached by ClinVar (database versions not stated): gnomAD exomes below 0.00001 and 0.00002; gnomAD 0.00002 and 0.00003; TOPMed 0.00002; 1000 Genomes Project 30x 0.00016; 1000 Genomes Project 0.00020.
gnomAD v4.1: 38 of 1,614,232 alleles (0.0024%); highest among the groups gnomAD compares: Non-Finnish European, 0.0032%; no homozygotes.

Submissions (4):

Labcorp Genetics (formerly Invitae), Labcorp
Classification: Uncertain significance. Last evaluated: 2025-11-27. Review status: criteria provided, single submitter. Criteria: Invitae Variant Classification Sherloc (09022015). Collection method: clinical testing. Allele origin: germline.
Comment: This sequence change replaces valine, which is neutral and non-polar, with alanine, which is neutral and non-polar, at codon 1016 of the TOPORS protein (p.Val1016Ala). This variant is present in population databases (rs201329888, gnomAD 0.0009%). This variant has not been reported in the literature in individuals affected with TOPORS-related conditions. ClinVar contains an entry for this variant (Variation ID: 845266). An algorithm developed to predict the effect of missense changes on protein structure and function outputs the following: PolyPhen-2: "Not Available". The alanine amino acid residue is found in multiple mammalian species, which suggests that this missense change does not adversely affect protein function. In summary, the available evidence is currently insufficient to determine the role of this variant in disease. Therefore, it has been classified as a Variant of Uncertain Significance.

Ambry Genetics
Classification: Uncertain significance for Inborn genetic diseases. Last evaluated: 2023-08-18. Review status: criteria provided, single submitter. Criteria: Ambry Variant Classification Scheme 2023. Collection method: clinical testing. Allele origin: germline.

Clinical Genetics DNA and cytogenetics Diagnostics Lab, Erasmus MC, Erasmus Medical Center
Classification: Uncertain significance. Review status: no assertion criteria provided. Collection method: clinical testing. Allele origin: germline. Affected: yes. Study: VKGL Data-share Consensus. Not counted in ClinVar's aggregate classification.

Clinical Genetics, Academic Medical Center
Classification: Uncertain significance. Review status: no assertion criteria provided. Collection method: clinical testing. Allele origin: germline. Affected: yes. Study: VKGL Data-share Consensus. Not counted in ClinVar's aggregate classification.

NM_005802.5(TOPORS):c.3047T>C (p.Val1016Ala)

Gene: TOPORS (TOP1 binding arginine/serine rich protein, E3 ubiquitin ligase; minus strand). Cytogenetic location: 9p21.1.
Variant type: single nucleotide variant.
Coding change: c.3047T>C on transcript NM_005802.5 (MANE Select); coding-DNA position 3047, T replaced by C.
Protein change: p.Val1016Ala; replaces valine 1016 with alanine.
Molecular consequence: missense variant.
Genome position (GRCh38, 1-based): chr9:32,541,478, A>G on the plus strand (T>C on the coding strand, the complement: TOPORS is on the minus strand). VCF-style: chr9-32541478-A-G. GRCh37 (hg19) VCF-style: chr9-32541476-A-G.
Other names: c.2852T>C, p.Val951Ala (NM_001195622.2); short protein forms V1016A, V951A.
Identifiers: ClinVar variation 845266 (VCV000845266.12), dbSNP rs201329888, ClinGen allele CA192357760.
Genomic context (GRCh38, chr9:32,541,478, plus strand): 5'-ACTGACATTAATGATGTCCGTGGCGATGGCAATTGCCTTGATGGCTCAGTTTGAAGAGAC[A>G]CAATGTTACTGGGCTGGTTCTCCAAATCAGAAACAAAGGTGCTCTCTTCTCTTACATCGA-3'
Protein context (NP_005793.2, residues 1006-1026): SDLENQPSNI[Val1016Ala]SLQTEPSRQL